The following is an entry in ClinVar:

NM_005149.3(TBX19):c.608C>T (p.Thr203Met)

Gene: TBX19 (T-box transcription factor 19; plus strand). Cytogenetic location: 1q24.2.
Variant type: single nucleotide variant.
Coding change: c.608C>T on transcript NM_005149.3 (MANE Select); coding-DNA position 608, C replaced by T.
Protein change: p.Thr203Met; replaces threonine 203 with methionine.
Molecular consequence: missense variant.
Genome position (GRCh38, 1-based): chr1:168,297,728, C>T. VCF-style: chr1-168297728-C-T. GRCh37 (hg19) VCF-style: chr1-168266966-C-T.
Other names: short protein forms T203M.
Identifiers: ClinVar variation 828166 (VCV000828166.3), dbSNP rs748717639, ClinGen allele CA1230594.

ClinVar aggregate classification (germline): Likely pathogenic. Review status: criteria provided, single submitter (1 of 4 stars). 2 submissions from 2 submitters: Likely pathogenic (1). 1 of the submissions does not count toward it. Last evaluated 2021-12-17.

Conditions:
Congenital isolated adrenocorticotropic hormone deficiency. Also called: ACTH deficiency; Adrenocorticotropic hormone deficiency; ACTH DEFICIENCY, ISOLATED. Identifiers: Orphanet 199296, MedGen C0342388, MONDO:0008720, OMIM 201400, HP:0011748.

Allele frequency attached by ClinVar (database versions not stated): ExAC 0.00001; gnomAD 0.00001; gnomAD exomes 0.00001.
gnomAD v4.1: 19 of 1,613,858 alleles (0.0012%); highest among the groups gnomAD compares: South Asian, 0.0022%; no homozygotes.

Submissions (2):

Centre of Medical Genetics, University Hospital Muenster
Classification: Likely pathogenic. Last evaluated: 2021-12-17. Review status: criteria provided, single submitter. Criteria: ACMG Guidelines, 2015. Collection method: clinical testing. Allele origin: unknown. Affected: yes. Observed: 1 variant allele, 1 homozygote.
Comment: ACMG categories: PM1,PM2,PP3,PP5,BP1

Biochemical Molecular Genetic Laboratory, King Abdulaziz Medical City
Classification: Likely pathogenic for Congenital isolated adrenocorticotropic hormone deficiency. Last evaluated: 2020-02-05. Review status: no assertion criteria provided. Collection method: clinical testing. Allele origin: germline. Affected: yes. Not counted in ClinVar's aggregate classification.